The following is an entry in ClinVar:

ClinVar aggregate classification (germline): Benign/Likely benign. Review status: criteria provided, multiple submitters, no conflicts (2 of 4 stars). 2 submissions from 2 submitters: Benign (1); Likely benign (1). Last evaluated 2024-11-24.

Conditions:
Familial cancer of breast. Also called: Hereditary breast cancer; hereditary breast carcinoma; BREAST CANCER, FAMILIAL. Identifiers: Orphanet 227535, MedGen C0346153, MONDO:0016419, OMIM 114480. Disease mechanism: loss of function.
Fanconi anemia complementation group J. Also called: BRIP1-Related Fanconi Anemia. Identifiers: Orphanet 84, MedGen C1836860, MONDO:0012187, OMIM 609054.

Submissions (2):

Labcorp Genetics (formerly Invitae), Labcorp
Classification: Likely benign for Familial cancer of breast; Fanconi anemia complementation group J. Last evaluated: 2024-11-24. Review status: criteria provided, single submitter. Criteria: Invitae Variant Classification Sherloc (09022015). Collection method: clinical testing. Allele origin: germline.

Myriad Genetics, Inc.
Classification: Benign for Familial cancer of breast. Last evaluated: 2024-09-09. Review status: criteria provided, single submitter. Criteria: Myriad Autosomal Dominant, Autosomal Recessive and X-Linked Classification Criteria (2023). Collection method: clinical testing. Allele origin: unknown.
Comment: This variant is considered benign. This variant is a silent/synonymous amino acid change and it is not expected to impact splicing.

NM_032043.3(BRIP1):c.3075A>C (p.Ser1025=)

Gene: BRIP1 (BRCA1 interacting DNA helicase 1; minus strand). Cytogenetic location: 17q23.2.
Variant type: single nucleotide variant.
Coding change: c.3075A>C on transcript NM_032043.3 (MANE Select); coding-DNA position 3075, A replaced by C.
Protein change: p.Ser1025=; no amino-acid change (serine 1025 retained).
Molecular consequence: synonymous variant.
Genome position (GRCh38, 1-based): chr17:61,683,971, T>G on the plus strand (A>C on the coding strand, the complement: BRIP1 is on the minus strand). VCF-style: chr17-61683971-T-G. GRCh37 (hg19) VCF-style: chr17-59761332-T-G.
Identifiers: ClinVar variation 1553701 (VCV001553701.10), dbSNP rs1060504319, ClinGen allele CA501335468.